The following is an entry in ClinVar:

ClinVar aggregate classification (germline): Uncertain significance (1 of 4 stars; one submission).

Submission:

Women's Health and Genetics/Laboratory Corporation of America, LabCorp
Classification: Uncertain significance. Last evaluated: 2024-12-31. Review status: criteria provided, single submitter. Criteria: LabCorp Variant Classification Summary - May 2015. Collection method: clinical testing. Allele origin: germline.
Comment: Variant summary: This variant introduces five nucleotides at the beginning of exon 7 and duplicates the canonical splice site. One tool predicts it strengthens the canonical 3' acceptor site, and one predicts the variant abolishes the canonical 3' acceptor site. However, the molecular mechanism of disease remains unknown at this time. The variant allele was found at a frequency of 1.2e-05 in 243364 control chromosomes. The available data on variant occurrences in the general population are insufficient to allow any conclusion about variant significance. To our knowledge, no occurrence of c.640-3_641dupCAGCA in individuals affected with Acid Phosphatase Deficiency and no experimental evidence demonstrating its impact on protein function have been reported. No submitters have cited clinical-significance assessments for this variant to ClinVar. Based on the evidence outlined above, the variant was classified as uncertain significance.

NM_001610.4(ACP2):c.640-3_641dup

Gene: ACP2 (acid phosphatase 2, lysosomal; minus strand). Cytogenetic location: 11p11.2.
Variant type: Duplication.
Coding change: c.640-3_641dup on transcript NM_001610.4 (MANE Select); 3 bases into the intron before coding-DNA position 640 through coding-DNA position 641, 5 bases duplicated (CAGCA; older notation c.640-3_641dupCAGCA).
Molecular consequence: splice acceptor variant.
Genome position (GRCh38, 1-based): chr11:47,244,866-47,244,870, TGCTG duplicated on the plus strand (CAGCA on the coding strand, the reverse complement: ACP2 is on the minus strand); duplicating any 5 consecutive bases within chr11:47,244,866-47,244,872 gives the same sequence; the c. name uses the placement nearest the transcript's 3' end. VCF-style (leftmost placement, unchanged base first): chr11-47244865-T-TTGCTG. GRCh37 (hg19) VCF-style: chr11-47266416-T-TTGCTG.
Other names: c.544-3_545dup (NM_001302490.2); c.451-3_452dup (NM_001302491.2); c.79-3_80dup (NM_001302492.2); c.640-3_641dup (NM_001357016.2); c.556-3_557dup (NM_001302489.2); c.640-3_641dupCAGCA (NM_001610.4).
Identifiers: ClinVar variation 3768451 (VCV003768451.1).